The following is an entry in ClinVar:

ClinVar aggregate classification (germline): Uncertain significance (1 of 4 stars; one submission).

Submission:

GeneDx
Classification: Uncertain significance. Last evaluated: 2026-01-31. Review status: criteria provided, single submitter. Criteria: GeneDx Variant Classification Process June 2021. Collection method: clinical testing. Allele origin: germline.
Comment: Not observed at significant frequency in large population cohorts (gnomAD); In silico analysis suggests that this missense variant does not alter protein structure/function; Has not been previously published as pathogenic or benign to our knowledge

NM_001130004.2(ACTN1):c.1968C>G (p.Ile656Met)

Gene: ACTN1 (actinin alpha 1; minus strand). Cytogenetic location: 14q24.1.
Variant type: single nucleotide variant.
Coding change: c.1968C>G on transcript NM_001130004.2 (MANE Select); coding-DNA position 1968, C replaced by G.
Protein change: p.Ile656Met; replaces isoleucine 656 with methionine.
Molecular consequence: missense variant.
Genome position (GRCh38, 1-based): chr14:68,880,975, G>C on the plus strand (C>G on the coding strand, the complement: ACTN1 is on the minus strand). VCF-style: chr14-68880975-G-C. GRCh37 (hg19) VCF-style: chr14-69347692-G-C.
Other names: c.1968C>G, p.Ile656Met (NM_001102.4, NM_001130005.2, NM_001424012.1 and 2 more transcripts); c.1992C>G, p.Ile664Met (NM_001411035.1, NM_001424016.1); c.1773C>G, p.Ile591Met (NM_001411036.1, NM_001424026.1, NM_001424028.1); c.2094C>G, p.Ile698Met (NM_001424013.1); c.2055C>G, p.Ile685Met (NM_001424015.1); c.1965C>G, p.Ile655Met (NM_001424017.1); c.1929C>G, p.Ile643Met (NM_001424018.1); c.1785C>G, p.Ile595Met (NM_001424019.1, NM_001424024.1, NM_001424025.1 and 2 more transcripts); and 3 more; short protein forms I381M, I591M, I595M, I633M, I635M, I643M, I655M, I656M.
Identifiers: ClinVar variation 3361965 (VCV003361965.2).